The following is an entry in ClinVar:

ClinVar aggregate classification (germline): Uncertain significance. Review status: criteria provided, multiple submitters, no conflicts (2 of 4 stars). 4 submissions from 4 submitters: Uncertain significance (4). Last evaluated 2024-02-06.

Conditions:
Mitochondrial complex IV deficiency, nuclear type 3. Also called: Mitochondrial complex 4 deficiency, nuclear type 3. Identifiers: MedGen C5436682, MONDO:0033635, OMIM 619046.
Inborn genetic diseases. Identifiers: MedGen C0950123, MeSH D030342.
Leigh syndrome (NULS). Also called: Subacute necrotizing encephalopathy; Necrotizing encephalopathy infantile subacute of Leigh; Leigh's syndrome; Leigh Disease; LEIGH SYNDROME, NUCLEAR; Leigh's necrotizing encephalopathy. Identifiers: Orphanet 506, MedGen C2931891, MONDO:0009723, OMIM 256000.

Allele frequency attached by ClinVar (database versions not stated): ExAC 0.00002; gnomAD exomes 0.00002; TOPMed 0.00007; gnomAD 0.00012 and 0.00014.
gnomAD v4.1: 48 of 1,613,616 alleles (0.003%); highest among the groups gnomAD compares: Admixed American, 0.032%; no homozygotes.

Submissions (4):

Revvity Omics, Revvity
Classification: Uncertain significance for Mitochondrial complex IV deficiency, nuclear type 3. Last evaluated: 2024-02-06. Review status: criteria provided, single submitter. Criteria: ACMG Guidelines, 2015. Collection method: clinical testing. Allele origin: germline.

Labcorp Genetics (formerly Invitae), Labcorp
Classification: Uncertain significance. Last evaluated: 2024-01-24. Review status: criteria provided, single submitter. Criteria: Invitae Variant Classification Sherloc (09022015). Collection method: clinical testing. Allele origin: germline.
Comment: This sequence change replaces arginine, which is basic and polar, with histidine, which is basic and polar, at codon 355 of the COX10 protein (p.Arg355His). This variant is present in population databases (rs757204220, gnomAD 0.01%). This variant has not been reported in the literature in individuals affected with COX10-related conditions. ClinVar contains an entry for this variant (Variation ID: 1030366). Advanced modeling of protein sequence and biophysical properties (such as structural, functional, and spatial information, amino acid conservation, physicochemical variation, residue mobility, and thermodynamic stability) performed at Invitae indicates that this missense variant is expected to disrupt COX10 protein function with a positive predictive value of 80%. In summary, the available evidence is currently insufficient to determine the role of this variant in disease. Therefore, it has been classified as a Variant of Uncertain Significance.

Ambry Genetics
Classification: Uncertain significance for Inborn genetic diseases. Last evaluated: 2023-04-18. Review status: criteria provided, single submitter. Criteria: Ambry Variant Classification Scheme 2023. Collection method: clinical testing. Allele origin: germline.

Baylor Genetics
Classification: Uncertain significance for Leigh syndrome. Last evaluated: 2019-09-25. Review status: criteria provided, single submitter. Criteria: ACMG Guidelines, 2015. Collection method: clinical testing. Allele origin: maternal. Affected: yes.
Comment: This variant was determined to be of uncertain significance according to ACMG Guidelines, 2015 [PMID:25741868].

NM_001303.4(COX10):c.1064G>A (p.Arg355His)

Gene: COX10 (cytochrome c oxidase assembly factor heme A:farnesyltransferase COX10; plus strand). Cytogenetic location: 17p12.
Variant type: single nucleotide variant.
Coding change: c.1064G>A on transcript NM_001303.4 (MANE Select); coding-DNA position 1064, G replaced by A.
Protein change: p.Arg355His; replaces arginine 355 with histidine.
Molecular consequence: missense variant.
Genome position (GRCh38, 1-based): chr17:14,206,945, G>A. VCF-style: chr17-14206945-G-A. GRCh37 (hg19) VCF-style: chr17-14110262-G-A.
Other names: short protein forms R355H.
Identifiers: ClinVar variation 1030366 (VCV001030366.7), dbSNP rs757204220, ClinGen allele CA8402518.